The following is an entry in ClinVar:

ClinVar aggregate classification (germline): Pathogenic. Review status: criteria provided, multiple submitters, no conflicts (2 of 4 stars). 7 submissions from 7 submitters: Pathogenic (7). Last evaluated 2026-01-13.

Conditions:
Lateral meningocele syndrome (LMNS). Also called: NOTCH3-Related Lateral Meningocele Syndrome. Identifiers: Orphanet 2789, MedGen C1851710, MONDO:0007537, OMIM 130720.
Myofibromatosis, infantile, 2. Identifiers: Orphanet 2591, MedGen C3809084, MONDO:0014122, OMIM 615293.
Cerebral arteriopathy, autosomal dominant, with subcortical infarcts and leukoencephalopathy, type 1 (CADASIL1). Also called: CADASIL 1; CASIL; Cerebral arteriopathy with subcortical infarcts and leukoencephalopathy 1; DEMENTIA, HEREDITARY MULTIINFARCT TYPE. Identifiers: Orphanet 136, MedGen C4551768, MONDO:0000914, OMIM 125310.

Allele frequency attached by ClinVar (database versions not stated): gnomAD exomes below 0.00001.
gnomAD v4.1: 2 of 1,611,712 alleles (0.00012%); highest among the groups gnomAD compares: Admixed American, 0.0033%; no homozygotes.

Submissions (7):

Women's Health and Genetics/Laboratory Corporation of America, LabCorp
Classification: Pathogenic for Cerebral arteriopathy, autosomal dominant, with subcortical infarcts and leukoencephalopathy, type 1. Last evaluated: 2026-01-13. Review status: criteria provided, single submitter. Criteria: LabCorp Variant Classification Summary - May 2015. Collection method: clinical testing. Allele origin: germline.
Comment: Variant summary: NOTCH3 c.437G>A (p.Cys146Tyr) results in a non-conservative amino acid change in the encoded protein sequence. Algorithms developed to predict the effect of missense changes on protein structure and function all suggest that this variant is likely to be disruptive. The variant allele was found at a frequency of 4.1e-06 in 243010 control chromosomes. c.437G>A has been observed in the heterozygous state in multiple individuals affected with Cerebral arteriopathy, autosomal dominant, with subcortical infarcts and leukoencephalopathy, type 1 (example, Fattapposta_2004) including at least 1 family where it segregated with disease. These data indicate that the variant is very likely to be associated with disease. The following publications have been ascertained in the context of this evaluation (PMID: 15776792, 36047879, 38790158, 34004599, 25980907, 15995828, 37873835, 36044383, 32457593, 19080749, 36535904, 30032161, 36380532, 39864627, 32106772, 22664156, 12821756, 24844136, 19174371, 12196662). ClinVar contains an entry for this variant (Variation ID: 447849). To our knowledge, this variant has not been reported in individuals with autosomal recessive CARASIL. Based on the evidence outlined above, the variant was classified as pathogenic for autosomal dominant CADASIL.

Mayo Clinic Laboratories, Mayo Clinic
Classification: Pathogenic. Last evaluated: 2025-08-28. Review status: criteria provided, single submitter. Criteria: ACMG Guidelines, 2015. Collection method: clinical testing. Allele origin: germline. Observed: 2 variant alleles.
Comment: PP1_strong, PP3_strong, PM1, PM2_supporting

Labcorp Genetics (formerly Invitae), Labcorp
Classification: Pathogenic. Last evaluated: 2025-02-06. Review status: criteria provided, single submitter. Criteria: Invitae Variant Classification Sherloc (09022015). Collection method: clinical testing. Allele origin: germline.
Comment: This sequence change replaces cysteine, which is neutral and slightly polar, with tyrosine, which is neutral and polar, at codon 146 of the NOTCH3 protein (p.Cys146Tyr). This variant is present in population databases (no rsID available, gnomAD 0.003%). This missense change has been observed in individuals with autosomal dominant cerebral arteriopathy with subcortical infarcts and leukoencephalopathy (PMID: 15776792). ClinVar contains an entry for this variant (Variation ID: 447849). Invitae Evidence Modeling of protein sequence and biophysical properties (such as structural, functional, and spatial information, amino acid conservation, physicochemical variation, residue mobility, and thermodynamic stability) indicates that this missense variant is expected to disrupt NOTCH3 protein function with a positive predictive value of 95%. This variant disrupts the p.Cys146 amino acid residue in NOTCH3. Other variant(s) that disrupt this residue have been determined to be pathogenic (PMID: 9388399, 18948701, 20935329). This suggests that this residue is clinically significant, and that variants that disrupt this residue are likely to be disease-causing. For these reasons, this variant has been classified as Pathogenic.

ARUP Laboratories, Molecular Genetics and Genomics, ARUP Laboratories
Classification: Pathogenic. Last evaluated: 2024-08-22. Review status: criteria provided, single submitter. Criteria: ARUP Molecular Germline Variant Investigation Process 2024. Collection method: clinical testing. Allele origin: germline.
Comment: The NOTCH3 c.437G>A; p.Cys146Tyr variant (rs1236699193, ClinVar Variation ID: 447849) is reported in the literature in multiple individuals affected with CADASIL and co-segregates with disease in a large family (Fattapposta 2004, Malandrini 2002, Parisi 2003). This variant is only observed on one allele in the Genome Aggregation Database (v2.1.1), indicating it is not a common polymorphism. Computational analyses predict that this variant is deleterious (REVEL: 0.96). Most pathogenic NOTCH3 variants occur in exons 2-24 and either create or destroy a cysteine residue within an EGF-like domain (Rutten 2014), and thus the p.Cys146Tyr variant is consistent with the predominant mechanism of disease in NOTCH3. Additionally, other amino acid substitutions at this codon (p.Cys146Arg, p.Cys146Trp) have been reported in individuals with CADASIL and are considered disease-causing (Mizuta 2017, Joutel 1997). Based on available information, the p.Cys146Tyr variant is considered to be pathogenic. References: Fattapposta F et al. Early diagnosis in cerebral autosomal dominant arteriopathy with subcortical infarcts and leukoencephalopathy (CADASIL): the role of MRI. Funct Neurol. 2004 Oct-Dec;19(4):239-42. PMID: 15776792. Joutel A et al. Strong clustering and stereotyped nature of Notch3 mutations in CADASIL patients. Lancet. 1997 Nov 22;350(9090):1511-5. PMID: 9388399. Malandrini A et al. Asymptomatic cores and paracrystalline mitochondrial inclusions in CADASIL. Neurology. 2002 Aug 27;59(4):617-20. PMID: 12196662. Mizuta I et al. New diagnostic criteria for cerebral autosomal dominant arteriopathy with subcortical infarcts and leukocencephalopathy in Japan. J Neurol Sci. 2017 Oct 15;381:62-67. PMID: 28991717. Parisi V et al. Early visual function impairment in CADASIL. Neurology. 2003 Jun 24;60(12):2008-10. PMID: 12821756. Rutten JW et al. Interpretation of NOTCH3 mutations in the diagnosis of CADASIL. Expert Rev Mol Diagn. 2014 Jun;14(5):593-603. PMID: 24844136.

3billion
Classification: Pathogenic for Cerebral arteriopathy, autosomal dominant, with subcortical infarcts and leukoencephalopathy, type 1. Last evaluated: 2024-06-18. Review status: criteria provided, single submitter. Criteria: ACMG Guidelines, 2015. Collection method: clinical testing. Allele origin: germline. Affected: yes.
Comment: The variant is observed at an extremely low frequency in the gnomAD v4.0.0 dataset (total allele frequency: <0.001%). Predicted Consequence/Location: The variant is located in a mutational hot spot and/or well-established functional domain in which established pathogenic variants have been reported (PMID: 35822697). Missense changes are a common disease-causing mechanism. In silico tool predictions suggest damaging effect of the variant on gene or gene product [REVEL: 0.96 (>=0.6, sensitivity 0.68 and specificity 0.92)]. The same nucleotide change resulting in the same amino acid change has been previously reported as pathogenic/likely pathogenic with strong evidence (ClinVar ID: VCV000447849 /PMID: 15776792). Different missense changes at the same codon (p.Cys146Arg, p.Cys146Phe, p.Cys146Trp) have been reported as pathogenic/likely pathogenic with strong evidence (ClinVar ID: VCV000447848, VCV000447850 /PMID: 22688109, 9388399). Therefore, this variant is classified as Pathogenic according to the recommendation of ACMG/AMP guideline.

Athena Diagnostics
Classification: Pathogenic. Last evaluated: 2024-05-31. Review status: criteria provided, single submitter. Criteria: Athena Diagnostics Criteria. Collection method: clinical testing. Allele origin: unknown.
Comment: This variant alters a critical location within the protein, and is expected to severely affect function and cause disease. The frequency of this variant in the general population is consistent with pathogenicity. This variant has been identified in at least one individual with CADASIL. Greater than 90% of NOTCH3 pathogenic variants associated with CADASIL involve the gain or loss of a cysteine residue within the epidermal growth factor (EGF)-like repeat domain (PMID: 32457593, 20301673).

Fulgent Genetics
Classification: Pathogenic for Cerebral arteriopathy, autosomal dominant, with subcortical infarcts and leukoencephalopathy, type 1; Lateral meningocele syndrome; Myofibromatosis, infantile, 2. Last evaluated: 2018-10-31. Review status: criteria provided, single submitter. Criteria: ACMG Guidelines, 2015. Collection method: clinical testing. Allele origin: unknown.

Literature cited by the submitters: PubMed 32457593 (cited by Women's Health and Genetics/Laboratory Corporation of America, LabCorp); PubMed 36380532 (cited by Women's Health and Genetics/Laboratory Corporation of America, LabCorp and Mayo Clinic Laboratories, Mayo Clinic); PubMed 36047879 (cited by Women's Health and Genetics/Laboratory Corporation of America, LabCorp and Mayo Clinic Laboratories, Mayo Clinic); PubMed 36044383 (cited by Women's Health and Genetics/Laboratory Corporation of America, LabCorp); PubMed 19174371 (cited by Women's Health and Genetics/Laboratory Corporation of America, LabCorp); PubMed 36535904 (cited by Women's Health and Genetics/Laboratory Corporation of America, LabCorp); PubMed 24844136 (cited by Women's Health and Genetics/Laboratory Corporation of America, LabCorp); PubMed 38790158 (cited by Women's Health and Genetics/Laboratory Corporation of America, LabCorp); PubMed 12196662 (cited by Women's Health and Genetics/Laboratory Corporation of America, LabCorp and Athena Diagnostics); PubMed 19080749 (cited by Women's Health and Genetics/Laboratory Corporation of America, LabCorp); PubMed 34004599 (cited by Women's Health and Genetics/Laboratory Corporation of America, LabCorp); PubMed 25980907 (cited by Women's Health and Genetics/Laboratory Corporation of America, LabCorp); PubMed 15995828 (cited by Women's Health and Genetics/Laboratory Corporation of America, LabCorp); PubMed 37873835 (cited by Women's Health and Genetics/Laboratory Corporation of America, LabCorp); PubMed 30032161 (cited by Women's Health and Genetics/Laboratory Corporation of America, LabCorp); PubMed 39864627 (cited by Women's Health and Genetics/Laboratory Corporation of America, LabCorp); PubMed 32106772 (cited by Women's Health and Genetics/Laboratory Corporation of America, LabCorp); PubMed 22664156 (cited by Women's Health and Genetics/Laboratory Corporation of America, LabCorp); PubMed 12821756 (cited by 3 submitters); PubMed 15776792 (cited by 5 submitters); PubMed 9388399 (cited by Labcorp Genetics (formerly Invitae), Labcorp); PubMed 18948701 (cited by Labcorp Genetics (formerly Invitae), Labcorp); PubMed 20935329 (cited by Labcorp Genetics (formerly Invitae), Labcorp); PubMed 22688109 (cited by 3billion); PubMed 35822697 (cited by 3billion).

NM_000435.3(NOTCH3):c.437G>A (p.Cys146Tyr)

Gene: NOTCH3 (notch receptor 3; minus strand). Cytogenetic location: 19p13.12.
Variant type: single nucleotide variant.
Coding change: c.437G>A on transcript NM_000435.3 (MANE Select); coding-DNA position 437, G replaced by A.
Protein change: p.Cys146Tyr; replaces cysteine 146 with tyrosine.
Molecular consequence: missense variant.
Genome position (GRCh38, 1-based): chr19:15,192,202, C>T on the plus strand (G>A on the coding strand, the complement: NOTCH3 is on the minus strand). VCF-style: chr19-15192202-C-T. GRCh37 (hg19) VCF-style: chr19-15303013-C-T.
Other names: short protein forms C146Y.
Identifiers: ClinVar variation 447849 (VCV000447849.25), dbSNP rs1236699193, ClinGen allele CA404534075.